The following is an entry in ClinVar:

ClinVar aggregate classification (germline): Benign/Likely benign. Review status: criteria provided, multiple submitters, no conflicts (2 of 4 stars). 8 submissions from 5 submitters: Benign (2); Likely benign (6). Last evaluated 2026-01-26.

Conditions:
Atypical hemolytic-uremic syndrome. Identifiers: Orphanet 2134, MedGen C2931788, MONDO:0016244.
Hemolytic uremic syndrome, atypical, susceptibility to, 1. Also called: AHUS, SUSCEPTIBILITY TO, 1. Identifiers: Orphanet 2134, Orphanet 90038, MedGen C2749604, MONDO:0009335, OMIM 235400. Disease mechanism: Other.
Age related macular degeneration 4. Identifiers: MedGen C1853147, MONDO:0012540, OMIM 610698.
Factor H deficiency (CFHD). Also called: COMPLEMENT FACTOR H DEFICIENCY; CFH DEFICIENCY. Identifiers: Orphanet 200421, MedGen C0398777, MONDO:0012350, OMIM 609814.
Basal laminar drusen. Also called: DRUSEN OF BRUCH MEMBRANE; DRUSEN, CUTICULAR; DRUSEN, EARLY ADULT-ONSET, GROUPED. Identifiers: Orphanet 75376, MedGen C0730295, MONDO:0007472, OMIM 126700.

Submissions (8):

Labcorp Genetics (formerly Invitae), Labcorp
Classification: Benign. Last evaluated: 2026-01-26. Review status: criteria provided, single submitter. Criteria: Invitae Variant Classification Sherloc (09022015). Collection method: clinical testing. Allele origin: germline.

Blueprint Genetics
Classification: Likely benign. Last evaluated: 2024-11-25. Review status: criteria provided, single submitter. Criteria: ACMG Guidelines, 2015. Collection method: clinical testing. Allele origin: germline.

Women's Health and Genetics/Laboratory Corporation of America, LabCorp
Classification: Benign. Last evaluated: 2024-05-21. Review status: criteria provided, single submitter. Criteria: LabCorp Variant Classification Summary - May 2015. Collection method: clinical testing. Allele origin: germline.
Comment: Variant summary: CFH c.2783-3dupT alters a non-conserved nucleotide located close to a canonical splice site and therefore could affect mRNA splicing, leading to a significantly altered protein sequence. Consensus agreement among computation tools predict no significant impact on normal splicing. However, these predictions have yet to be confirmed by functional studies. The variant allele was found at a frequency of 0.0016 in 1358588 control chromosomes, predominantly at a frequency of 0.0059 within the African or African-American subpopulation in the gnomAD database, including 1 homozygotes. The observed variant frequency within African or African-American control individuals in the gnomAD database exceeds the estimated maximal expected allele frequency for a pathogenic variant in CFH causing CFH-Related Disorders phenotype. To our knowledge, no occurrence of c.2783-3dupT in individuals affected with CFH-Related Disorders and no experimental evidence demonstrating its impact on protein function have been reported. ClinVar contains an entry for this variant (Variation ID: 1668120). Based on the evidence outlined above, the variant was classified as benign.

Genome-Nilou Lab
Classification: Likely benign for Hemolytic uremic syndrome, atypical, susceptibility to, 1. Last evaluated: 2023-04-11. Review status: criteria provided, single submitter. Criteria: ACMG Guidelines, 2015. Collection method: clinical testing. Allele origin: germline. Affected: no.

Genome-Nilou Lab
Classification: Likely benign for Age related macular degeneration 4. Last evaluated: 2023-04-11. Review status: criteria provided, single submitter. Criteria: ACMG Guidelines, 2015. Collection method: clinical testing. Allele origin: germline. Affected: no.

Genome-Nilou Lab
Classification: Likely benign for Basal laminar drusen. Last evaluated: 2023-04-11. Review status: criteria provided, single submitter. Criteria: ACMG Guidelines, 2015. Collection method: clinical testing. Allele origin: germline. Affected: no.

Genome-Nilou Lab
Classification: Likely benign for Factor H deficiency. Last evaluated: 2023-04-11. Review status: criteria provided, single submitter. Criteria: ACMG Guidelines, 2015. Collection method: clinical testing. Allele origin: germline. Affected: no.

Genome Diagnostics Laboratory, The Hospital for Sick Children
Classification: Likely benign for Atypical hemolytic-uremic syndrome. Last evaluated: 2020-02-01. Review status: criteria provided, single submitter. Criteria: ACMG Guidelines, 2015. Collection method: clinical testing. Allele origin: germline.

NM_000186.4(CFH):c.2783-3dup

Gene: CFH (complement factor H; plus strand). Cytogenetic location: 1q31.3.
Variant type: Duplication.
Coding change: c.2783-3dup on transcript NM_000186.4 (MANE Select); 3 bases into the intron before coding-DNA position 2783, one base duplicated (T; older notation c.2783-3dupT).
Molecular consequence: intron variant.
Genome position (GRCh38, 1-based): chr1:196,740,616, T duplicated; the last of 10 consecutive T bases (chr1:196,740,607-196,740,616); duplicating any one gives the same sequence. VCF-style (leftmost placement, unchanged base first): chr1-196740606-C-CT. GRCh37 (hg19) VCF-style: chr1-196709736-C-CT.
Other names: c.2783-3dupT (NM_000186.4).
Identifiers: ClinVar variation 1668120 (VCV001668120.13), dbSNP rs748791414, ClinGen allele CA1305748.